The following is an entry in ClinVar:

NM_198510.3(ITIH6):c.1149C>T (p.Gly383=)

Gene: ITIH6 (inter-alpha-trypsin inhibitor heavy chain family member 6; minus strand). Cytogenetic location: Xp11.22.
Variant type: single nucleotide variant.
Coding change: c.1149C>T on transcript NM_198510.3 (MANE Select); coding-DNA position 1149, C replaced by T.
Protein change: p.Gly383=; no amino-acid change (glycine 383 retained).
Molecular consequence: synonymous variant.
Genome position (GRCh38, 1-based): chrX:54,758,925, G>A on the plus strand (C>T on the coding strand, the complement: ITIH6 is on the minus strand). VCF-style: chrX-54758925-G-A. GRCh37 (hg19) VCF-style: chrX-54785358-G-A.
Identifiers: ClinVar variation 3055391 (VCV003055391.2), dbSNP rs150808911, ClinGen allele CA10426327.

ClinVar aggregate classification (germline): Likely benign (0 of 4 stars; one submission).

Conditions:
ITIH6-related disorder. Also called: ITIH6-related condition.

Allele frequency attached by ClinVar (database versions not stated): ExAC 0.00005; ESP Exome Variant Server 0.00009; TOPMed 0.00011; gnomAD 0.00013.
gnomAD v4.1: 37 of 1,203,685 alleles (0.0031%); highest among the groups gnomAD compares: African/African-American, 0.042%; 1 homozygote.

Submission:

PreventionGenetics, part of Exact Sciences
Classification: Likely benign for ITIH6-related condition. Last evaluated: 2019-05-01. Review status: no assertion criteria provided. Collection method: clinical testing. Allele origin: germline.
Comment: This variant is classified as likely benign based on ACMG/AMP sequence variant interpretation guidelines (Richards et al. 2015 PMID: 25741868, with internal and published modifications).